The following is an entry in ClinVar:

NM_001369.3(DNAH5):c.9461A>C (p.Asp3154Ala)

Gene: DNAH5 (dynein axonemal heavy chain 5; minus strand). Cytogenetic location: 5p15.2.
Variant type: single nucleotide variant.
Coding change: c.9461A>C on transcript NM_001369.3 (MANE Select); coding-DNA position 9461, A replaced by C.
Protein change: p.Asp3154Ala; replaces aspartic acid 3154 with alanine.
Molecular consequence: missense variant.
Genome position (GRCh38, 1-based): chr5:13,770,893, T>G on the plus strand (A>C on the coding strand, the complement: DNAH5 is on the minus strand). VCF-style: chr5-13770893-T-G. GRCh37 (hg19) VCF-style: chr5-13771002-T-G.
Other names: short protein forms D3154A.
Identifiers: ClinVar variation 525349 (VCV000525349.16), dbSNP rs149187750, ClinGen allele CA3202542.
Genomic context (GRCh38, chr5:13,770,893, plus strand): 5'-GTCACGTGGGTAGAACGTCGGAATCTCTGAAAATAATCAACACACTTCTCAGCCACCCCA[T>G]CCTGGAAGGAGCCCATGCATTGGACCACCTCCTTCTTGATTTCCAAACTGCAGTCAATAT-3'
Protein context (NP_001360.1, residues 3144-3164): EVVQCMGSFQ[Asp3154Ala]GVAEKCVDYF

ClinVar aggregate classification (germline): Conflicting classifications of pathogenicity. Review status: criteria provided, conflicting classifications (1 of 4 stars). 6 submissions from 6 submitters: Uncertain significance (4); Benign (1). 1 of the submissions does not count toward it. Last evaluated 2026-01-21.

Conditions:
Primary ciliary dyskinesia 3. Identifiers: Orphanet 244, MedGen C1837618, MONDO:0012085, OMIM 608644.
Primary ciliary dyskinesia. Also called: Ciliary dyskinesia. Identifiers: Orphanet 244, MedGen C0008780, MONDO:0016575, HP:0012265.

Allele frequency attached by ClinVar (database versions not stated): ExAC 0.00015; 1000 Genomes Project 30x 0.00016; gnomAD exomes 0.00033 and 0.00017; ESP Exome Variant Server 0.00023; gnomAD 0.00029; 1000 Genomes Project 0.00020; TOPMed 0.00022.
gnomAD v4.1: 530 of 1,614,104 alleles (0.033%); highest among the groups gnomAD compares: Non-Finnish European, 0.042%; no homozygotes.

Submissions (6):

Labcorp Genetics (formerly Invitae), Labcorp
Classification: Benign for Primary ciliary dyskinesia. Last evaluated: 2026-01-21. Review status: criteria provided, single submitter. Criteria: Invitae Variant Classification Sherloc (09022015). Collection method: clinical testing. Allele origin: germline.

GeneDx
Classification: Uncertain significance. Last evaluated: 2025-06-14. Review status: criteria provided, single submitter. Criteria: GeneDx Variant Classification Process June 2021. Collection method: clinical testing. Allele origin: germline. Affected: yes.
Comment: Reported in a patient with a left sided congenital cardiac lesion (PMID: 29089047); In silico analysis supports that this missense variant has a deleterious effect on protein structure/function; This variant is associated with the following publications: (PMID: 27956632, 29089047)

Ambry Genetics
Classification: Uncertain significance for Primary ciliary dyskinesia. Last evaluated: 2024-08-22. Review status: criteria provided, single submitter. Criteria: Ambry Variant Classification Scheme 2023. Collection method: clinical testing. Allele origin: germline.
Comment: The p.D3154A variant (also known as c.9461A>C), located in coding exon 56 of the DNAH5 gene, results from an A to C substitution at nucleotide position 9461. The aspartic acid at codon 3154 is replaced by alanine, an amino acid with dissimilar properties. This alteration was identified in a cohort of individuals with congenital cardiac left sided lesions and a cohort of individuals undergoing whole exome sequencing for diverse clinical indications and (Ji X et al. Proc Natl Acad Sci U S A, 2016 Dec;113:15054-15059; Li AH et al. Genome Med, 2017 Oct;9:95). This amino acid position is highly conserved in available vertebrate species. In addition, the in silico prediction for this alteration is inconclusive. Based on the available evidence, the clinical significance of this variant remains unclear.

Blueprint Genetics
Classification: Uncertain significance. Last evaluated: 2024-04-11. Review status: criteria provided, single submitter. Criteria: ACMG Guidelines, 2015. Collection method: clinical testing. Allele origin: germline.

Illumina Laboratory Services, Illumina
Classification: Uncertain significance for Primary ciliary dyskinesia 3. Last evaluated: 2018-01-13. Review status: criteria provided, single submitter. Criteria: ICSL Variant Classification Criteria 13 December 2019. Collection method: clinical testing. Allele origin: germline.

Natera, Inc.
Classification: Uncertain significance for Primary ciliary dyskinesia. Last evaluated: 2019-10-28. Review status: no assertion criteria provided. Collection method: clinical testing. Allele origin: germline. Not counted in ClinVar's aggregate classification.

Literature cited by the submitters: PubMed 27956632 (cited by Ambry Genetics); PubMed 29089047 (cited by Ambry Genetics).